The following is an entry in ClinVar:

NM_004565.3(PEX14):c.855C>G (p.Gly285=)

Gene: PEX14 (peroxisomal biogenesis factor 14; plus strand). Cytogenetic location: 1p36.22.
Variant type: single nucleotide variant.
Coding change: c.855C>G on transcript NM_004565.3 (MANE Select); coding-DNA position 855, C replaced by G.
Protein change: p.Gly285=; no amino-acid change (glycine 285 retained).
Molecular consequence: synonymous variant.
Genome position (GRCh38, 1-based): chr1:10,629,708, C>G. VCF-style: chr1-10629708-C-G. GRCh37 (hg19) VCF-style: chr1-10689765-C-G.
Identifiers: ClinVar variation 291679 (VCV000291679.15), dbSNP rs201107513, ClinGen allele CA583982.

ClinVar aggregate classification (germline): Conflicting classifications of pathogenicity. Review status: criteria provided, conflicting classifications (1 of 4 stars). 4 submissions from 4 submitters: Uncertain significance (1); Likely benign (3). Last evaluated 2026-02-03.

Conditions:
PEX14-related disorder. Also called: PEX14-related condition.
Peroxisome biogenesis disorder 13A (Zellweger). Also called: Peroxisome biogenesis disorder 13A. Identifiers: Orphanet 912, MedGen C3554004, MONDO:0013952, OMIM 614887.
Peroxisome biogenesis disorder, complementation group K (CGK). Identifiers: MedGen C1866257, MONDO:0800365.

Allele frequency attached by ClinVar (database versions not stated): gnomAD 0.00003; gnomAD exomes 0.00003; TOPMed 0.00003; ExAC 0.00006.
gnomAD v4.1: 298 of 1,609,492 alleles (0.019%); highest among the groups gnomAD compares: Non-Finnish European, 0.025%; no homozygotes.

Submissions (4):

PreventionGenetics, part of Exact Sciences
Classification: Likely benign for PEX14-related condition. Last evaluated: 2026-02-03. Review status: criteria provided, single submitter. Criteria: ACMG Guidelines, 2015. Collection method: clinical testing. Allele origin: germline.
Comment: This variant is classified as likely benign based on ACMG/AMP sequence variant interpretation guidelines (Richards et al. 2015 PMID: 25741868, with internal and published modifications).

Labcorp Genetics (formerly Invitae), Labcorp
Classification: Likely benign for Peroxisome biogenesis disorder, complementation group K. Last evaluated: 2026-01-17. Review status: criteria provided, single submitter. Criteria: Invitae Variant Classification Sherloc (09022015). Collection method: clinical testing. Allele origin: germline.

Blueprint Genetics
Classification: Likely benign. Last evaluated: 2022-08-22. Review status: criteria provided, single submitter. Criteria: ACMG Guidelines, 2015. Collection method: clinical testing. Allele origin: germline.

Illumina Laboratory Services, Illumina
Classification: Uncertain significance for Peroxisome biogenesis disorder 13A (Zellweger). Last evaluated: 2018-01-12. Review status: criteria provided, single submitter. Criteria: ICSL Variant Classification Criteria 13 December 2019. Collection method: clinical testing. Allele origin: germline.